The following is an entry in ClinVar:

ClinVar aggregate classification (germline): Uncertain significance (1 of 4 stars; one submission).

Submission:

GeneDx
Classification: Uncertain significance. Last evaluated: 2024-11-01. Review status: criteria provided, single submitter. Criteria: GeneDx Variant Classification Process June 2021. Collection method: clinical testing. Allele origin: germline. Affected: yes.
Comment: Not observed at significant frequency in large population cohorts (gnomAD); In silico analysis supports that this missense variant has a deleterious effect on protein structure/function; Has not been previously published as pathogenic or benign to our knowledge.

NM_000937.5(POLR2A):c.4204T>C (p.Cys1402Arg)

Genes: POLR2A (RNA polymerase II subunit A; plus strand), LOC126862482 (CDK7 strongly-dependent group 2 enhancer GRCh37_chr17:7414586-7415785; plus strand). Cytogenetic location: 17p13.1.
Variant type: single nucleotide variant.
Coding change: c.4204T>C on transcript NM_000937.5 (MANE Select); coding-DNA position 4204, T replaced by C.
Protein change: p.Cys1402Arg; replaces cysteine 1402 with arginine.
Molecular consequence: missense variant.
Genome position (GRCh38, 1-based): chr17:7,511,913, T>C. VCF-style: chr17-7511913-T-C. GRCh37 (hg19) VCF-style: chr17-7415232-T-C.
Other names: short protein forms C1402R.
Identifiers: ClinVar variation 3897083 (VCV003897083.1).